The following is an entry in ClinVar:

ClinVar aggregate classification (germline): Likely benign (1 of 4 stars; one submission).

gnomAD v4.1: 1,149 of 1,584,614 alleles (0.073%); highest among the groups gnomAD compares: African/African-American, 1.4%; 8 homozygotes.

Submission:

CeGaT Center for Human Genetics Tuebingen
Classification: Likely benign. Last evaluated: 2026-04-01. Review status: criteria provided, single submitter. Criteria: CeGaT Center For Human Genetics Tuebingen Variant Classification Criteria Version 2. Collection method: clinical testing. Allele origin: germline. Affected: yes. Observed: 2 variant alleles.
Comment: INTS1: BP4, BS1

NM_001080453.3(INTS1):c.546+4T>C

Gene: INTS1 (integrator complex subunit 1; minus strand). Cytogenetic location: 7p22.3.
Variant type: single nucleotide variant.
Coding change: c.546+4T>C on transcript NM_001080453.3 (MANE Select); 4 bases into the intron after coding-DNA position 546, T replaced by C.
Molecular consequence: intron variant.
Genome position (GRCh38, 1-based): chr7:1,500,166, A>G on the plus strand (T>C on the coding strand, the complement: INTS1 is on the minus strand). VCF-style: chr7-1500166-A-G. GRCh37 (hg19) VCF-style: chr7-1539802-A-G.
Identifiers: ClinVar variation 3388314 (VCV003388314.14).